The following continues an entry in ClinVar:

NM_000051.4(ATM):c.5692C>T (p.Arg1898Ter)

Gene: ATM. ClinVar aggregate classification (germline): Pathogenic. Pathogenic (1).

Submissions 11 to 17 of 17:

ARUP Laboratories, Molecular Genetics and Genomics, ARUP Laboratories
Classification: Pathogenic. Last evaluated: 2023-12-14. Review status: criteria provided, single submitter. Criteria: ARUP Molecular Germline Variant Investigation Process 2024. Collection method: clinical testing. Allele origin: germline. Not counted in ClinVar's aggregate classification.
Comment: The ATM c.5692C>T; p.Arg1898Ter variant, also published as R1898X, is reported in the medical literature in the compound heterozygous state in at least two individuals with classic ataxia-telangiectasia (Magliozzi 2006, Nespoli 2013) and in the heterozygous state in at least two individuals with breast cancer (Li 2019, Sun 2017). The variant is reported as pathogenic by several sources in the ClinVar database (Variation ID: 482526). This variant induces an early termination codon and is predicted to result in a truncated protein or mRNA subject to nonsense-mediated decay. Based on available information, this variant is considered to be pathogenic. References: Li JY et al. Germline mutations in 40 cancer susceptibility genes among Chinese patients with high hereditary risk breast cancer. Int J Cancer. 2019 Jan 15;144(2):281-289. PMID: 29752822. Magliozzi M et al. DHPLC screening of ATM gene in Italian patients affected by ataxia-telangiectasia: fourteen novel ATM mutations. Dis Markers. 2006;22(4):257-64. PMID: 17124347. Nespoli L et al. A precocious cerebellar ataxia and frequent Fever episodes in a 16-month-old infant revealing ataxia-telangiectasia syndrome. Case Reports Immunol. 2013;2013:296827. PMID: 25374739. Sun J et al. Germline Mutations in Cancer Susceptibility Genes in a Large Series of Unselected Breast Cancer Patients. Clin Cancer Res. 2017 Oct 15;23(20):6113-6119. PMID: 28724667.

GeneDx
Classification: Pathogenic. Last evaluated: 2022-06-16. Review status: criteria provided, single submitter. Criteria: GeneDx Variant Classification Process June 2021. Collection method: clinical testing. Allele origin: germline. Affected: yes. Not counted in ClinVar's aggregate classification.
Comment: Nonsense variant predicted to result in protein truncation or nonsense mediated decay in a gene for which loss of function is a known mechanism of disease; Not observed at significant frequency in large population cohorts (gnomAD); This variant is associated with the following publications: (PMID: 25525159, 25374739, 17124347, 25077176, 23454770, 26896183, 29752822, 30287823, 27989354, 28724667, 30982232, 30607632, 23322442)

Women's Health and Genetics/Laboratory Corporation of America, LabCorp
Classification: Pathogenic for Ataxia-telangiectasia syndrome. Last evaluated: 2020-01-17. Review status: criteria provided, single submitter. Criteria: LabCorp Variant Classification Summary - May 2015. Collection method: clinical testing. Allele origin: germline. Not counted in ClinVar's aggregate classification.
Comment: Variant summary: ATM c.5692C>T (p.Arg1898X) results in a premature termination codon, predicted to cause a truncation of the encoded protein or absence of the protein due to nonsense mediated decay, which are commonly known mechanisms for disease. Truncations downstream of this position have been classified as pathogenic by our laboratory. The variant allele was found at a frequency of 8e-06 in 251006 control chromosomes (gnomAD). c.5692C>T has been reported in the literature in multiple individuals affected with Breast Cancer or Ataxia-Telangiectasia (eg. Magliozzi_2006, Micol_2011, Nespoli_2013, Nakamura_2014, Momozawa_2018, Wang_2019). These data indicate that the variant is very likely to be associated with disease. To our knowledge, no experimental evidence demonstrating an impact on protein function has been reported. Four ClinVar submitters (evaluation after 2014) cite the variant as pathogenic. Based on the evidence outlined above, the variant was classified as pathogenic

Laboratory for Genotyping Development, RIKEN
Classification: Pathogenic for Gastric cancer. Last evaluated: 2021-07-01. Review status: no assertion criteria provided. Collection method: research. Allele origin: germline. Not counted in ClinVar's aggregate classification.

Natera, Inc.
Classification: Pathogenic for Ataxia-telangiectasia. Last evaluated: 2020-09-16. Review status: no assertion criteria provided. Collection method: clinical testing. Allele origin: germline. Not counted in ClinVar's aggregate classification.

Counsyl
Classification: Pathogenic for Ataxia-telangiectasia syndrome. Last evaluated: 2017-12-08. Review status: no assertion criteria provided. Collection method: clinical testing. Allele origin: unknown. Not counted in ClinVar's aggregate classification.

Laboratory of Urology, Hospital Clinic de Barcelona
Classification: Pathogenic for Malignant tumor of urinary bladder. Review status: no assertion criteria provided. Collection method: research. Allele origin: somatic. Affected: yes. Not counted in ClinVar's aggregate classification.

Literature cited by the submitters: PubMed 23807571 (cited by Labcorp Genetics (formerly Invitae), Labcorp and GeneKor MSA); PubMed 25614872 (cited by Labcorp Genetics (formerly Invitae), Labcorp and GeneKor MSA); PubMed 17124347 (cited by 6 submitters); PubMed 23322442 (cited by 5 submitters); PubMed 23454770 (cited by 3 submitters); PubMed 25077176 (cited by 5 submitters); PubMed 25374739 (cited by 5 submitters); PubMed 28724667 (cited by Labcorp Genetics (formerly Invitae), Labcorp and GeneKor MSA); PubMed 26896183 (cited by Dasa); PubMed 21665257 (cited by Color Diagnostics, LLC DBA Color Health and Women's Health and Genetics/Laboratory Corporation of America, LabCorp); PubMed 30287823 (cited by Women's Health and Genetics/Laboratory Corporation of America, LabCorp); PubMed 30982232 (cited by Women's Health and Genetics/Laboratory Corporation of America, LabCorp); PubMed 36988593 (cited by Laboratory for Genotyping Development, RIKEN).